The following is an entry in ClinVar:

ClinVar aggregate classification (germline): Uncertain significance (1 of 4 stars; one submission).

Conditions:
Hereditary spastic paraplegia 48. Also called: SPASTIC PARAPLEGIA 48, AUTOSOMAL RECESSIVE; Spastic paraplegia 48. Identifiers: Orphanet 306511, MedGen C3150901, MONDO:0013342, OMIM 613647.

gnomAD v4.1: 8 of 1,612,792 alleles (0.0005%); highest among the groups gnomAD compares: African/African-American, 0.0013%; no homozygotes.

Submission:

Labcorp Genetics (formerly Invitae), Labcorp
Classification: Uncertain significance for Hereditary spastic paraplegia 48. Last evaluated: 2023-01-04. Review status: criteria provided, single submitter. Criteria: Invitae Variant Classification Sherloc (09022015). Collection method: clinical testing. Allele origin: germline.
Comment: In summary, the available evidence is currently insufficient to determine the role of this variant in disease. Therefore, it has been classified as a Variant of Uncertain Significance. Advanced modeling of protein sequence and biophysical properties (such as structural, functional, and spatial information, amino acid conservation, physicochemical variation, residue mobility, and thermodynamic stability) performed at Invitae indicates that this missense variant is expected to disrupt AP5Z1 protein function. ClinVar contains an entry for this variant (Variation ID: 665767). This variant has not been reported in the literature in individuals affected with AP5Z1-related conditions. This variant is present in population databases (rs768616888, gnomAD 0.004%). This sequence change replaces proline, which is neutral and non-polar, with alanine, which is neutral and non-polar, at codon 761 of the AP5Z1 protein (p.Pro761Ala).

NM_014855.3(AP5Z1):c.2281C>G (p.Pro761Ala)

Gene: AP5Z1 (adaptor related protein complex 5 subunit zeta 1; plus strand). Cytogenetic location: 7p22.1.
Variant type: single nucleotide variant.
Coding change: c.2281C>G on transcript NM_014855.3 (MANE Select); coding-DNA position 2281, C replaced by G.
Protein change: p.Pro761Ala; replaces proline 761 with alanine.
Molecular consequence: missense variant. On other transcripts: non-coding transcript variant (1).
Genome position (GRCh38, 1-based): chr7:4,791,242, C>G. VCF-style: chr7-4791242-C-G. GRCh37 (hg19) VCF-style: chr7-4830873-C-G.
Other names: c.2281C>G, p.Pro761Ala (LRG_1247t1); c.1813C>G, p.Pro605Ala (NM_001364858.1); short protein forms P605A, P761A.
Identifiers: ClinVar variation 665767 (VCV000665767.8), dbSNP rs768616888, ClinGen allele CA4138413.